The following is an entry in ClinVar:

NM_000395.3(CSF2RB):c.1733A>G (p.His578Arg)

Gene: CSF2RB (colony stimulating factor 2 receptor subunit beta; plus strand). Cytogenetic location: 22q12.3.
Variant type: single nucleotide variant.
Coding change: c.1733A>G on transcript NM_000395.3 (MANE Select); coding-DNA position 1733, A replaced by G.
Protein change: p.His578Arg; replaces histidine 578 with arginine.
Molecular consequence: missense variant.
Genome position (GRCh38, 1-based): chr22:36,937,541, A>G. VCF-style: chr22-36937541-A-G. GRCh37 (hg19) VCF-style: chr22-37333583-A-G.
Other names: c.1751A>G, p.His584Arg (NM_001410827.1); short protein forms H578R, H584R.
Identifiers: ClinVar variation 3638426 (VCV003638426.2).

ClinVar aggregate classification (germline): Uncertain significance (1 of 4 stars; one submission).

Submission:

Labcorp Genetics (formerly Invitae), Labcorp
Classification: Uncertain significance. Last evaluated: 2024-02-02. Review status: criteria provided, single submitter. Criteria: Invitae Variant Classification Sherloc (09022015). Collection method: clinical testing. Allele origin: germline.
Comment: This sequence change replaces histidine, which is basic and polar, with arginine, which is basic and polar, at codon 578 of the CSF2RB protein (p.His578Arg). This variant is not present in population databases (gnomAD no frequency). This variant has not been reported in the literature in individuals affected with CSF2RB-related conditions. Advanced modeling of protein sequence and biophysical properties (such as structural, functional, and spatial information, amino acid conservation, physicochemical variation, residue mobility, and thermodynamic stability) performed at Invitae indicates that this missense variant is not expected to disrupt CSF2RB protein function with a negative predictive value of 80%. In summary, the available evidence is currently insufficient to determine the role of this variant in disease. Therefore, it has been classified as a Variant of Uncertain Significance.